The following is an entry in ClinVar:

NM_018089.3(ANKZF1):c.2047G>A (p.Val683Ile)

Gene: ANKZF1 (ankyrin repeat and zinc finger peptidyl tRNA hydrolase 1; plus strand). Cytogenetic location: 2q35.
Variant type: single nucleotide variant.
Coding change: c.2047G>A on transcript NM_018089.3 (MANE Select); coding-DNA position 2047, G replaced by A.
Protein change: p.Val683Ile; replaces valine 683 with isoleucine.
Molecular consequence: missense variant.
Genome position (GRCh38, 1-based): chr2:219,236,085, G>A. VCF-style: chr2-219236085-G-A. GRCh37 (hg19) VCF-style: chr2-220100807-G-A.
Other names: c.2047G>A, p.Val683Ile (NM_001042410.2); c.1417G>A, p.Val473Ile (NM_001282792.2); short protein forms V473I, V683I.
Identifiers: ClinVar variation 1519094 (VCV001519094.8), dbSNP rs773361158, ClinGen allele CA2121287.

ClinVar aggregate classification (germline): Uncertain significance (1 of 4 stars; one submission).

Allele frequency attached by ClinVar (database versions not stated): ExAC 0.00001; gnomAD 0.00001 and 0.00003; gnomAD exomes 0.00001; TOPMed 0.00001.
gnomAD v4.1: 17 of 1,614,084 alleles (0.0011%); highest among the groups gnomAD compares: South Asian, 0.013%; no homozygotes.

Submission:

Labcorp Genetics (formerly Invitae), Labcorp
Classification: Uncertain significance. Last evaluated: 2023-10-30. Review status: criteria provided, single submitter. Criteria: Invitae Variant Classification Sherloc (09022015). Collection method: clinical testing. Allele origin: germline.
Comment: This sequence change replaces valine, which is neutral and non-polar, with isoleucine, which is neutral and non-polar, at codon 683 of the ANKZF1 protein (p.Val683Ile). This variant is present in population databases (rs773361158, gnomAD 0.003%). This variant has not been reported in the literature in individuals affected with ANKZF1-related conditions. ClinVar contains an entry for this variant (Variation ID: 1519094). Algorithms developed to predict the effect of missense changes on protein structure and function output the following: SIFT: "Not Available"; PolyPhen-2: "Benign"; Align-GVGD: "Not Available". The isoleucine amino acid residue is found in multiple mammalian species, which suggests that this missense change does not adversely affect protein function. In summary, the available evidence is currently insufficient to determine the role of this variant in disease. Therefore, it has been classified as a Variant of Uncertain Significance.